The following is an entry in ClinVar:

NM_001330691.3(CEP78):c.1626-6G>A

Gene: CEP78 (centrosomal protein 78; plus strand). Cytogenetic location: 9q21.2.
Variant type: single nucleotide variant.
Coding change: c.1626-6G>A on transcript NM_001330691.3 (MANE Select); 6 bases into the intron before coding-DNA position 1626, G replaced by A.
Molecular consequence: intron variant.
Genome position (GRCh38, 1-based): chr9:78,265,366, G>A. VCF-style: chr9-78265366-G-A. GRCh37 (hg19) VCF-style: chr9-80880282-G-A.
Other names: c.1629-6G>A (NM_001349839.2, NM_001349840.2, NM_001098802.3 and 2 more transcripts); c.1626-6G>A (NM_001330693.3, NM_001349838.2, NM_001330694.2).
Identifiers: ClinVar variation 1550062 (VCV001550062.9), dbSNP rs764602604, ClinGen allele CA5095324.

ClinVar aggregate classification (germline): Likely benign. Review status: criteria provided, multiple submitters, no conflicts (2 of 4 stars). 2 submissions from 2 submitters: Likely benign (2). Last evaluated 2025-04-30.

Conditions:
CEP78-related disorder. Also called: CEP78-related condition.

Allele frequency attached by ClinVar (database versions not stated): gnomAD 0.00002 and 0.00003; TOPMed 0.00004.
gnomAD v4.1: 63 of 1,570,982 alleles (0.004%); highest among the groups gnomAD compares: Admixed American, 0.012%; no homozygotes.

Submissions (2):

PreventionGenetics, part of Exact Sciences
Classification: Likely benign for CEP78-related condition. Last evaluated: 2025-04-30. Review status: criteria provided, single submitter. Criteria: ACMG Guidelines, 2015. Collection method: clinical testing. Allele origin: germline.
Comment: This variant is classified as likely benign based on ACMG/AMP sequence variant interpretation guidelines (Richards et al. 2015 PMID: 25741868, with internal and published modifications).

Labcorp Genetics (formerly Invitae), Labcorp
Classification: Likely benign. Last evaluated: 2023-12-18. Review status: criteria provided, single submitter. Criteria: Invitae Variant Classification Sherloc (09022015). Collection method: clinical testing. Allele origin: germline.